The following is an entry in ClinVar:

NM_001733.7(C1R):c.2091C>G (p.Ile697Met)

Gene: C1R (complement C1r; minus strand). Cytogenetic location: 12p13.31.
Variant type: single nucleotide variant.
Coding change: c.2091C>G on transcript NM_001733.7 (MANE Select); coding-DNA position 2091, C replaced by G.
Protein change: p.Ile697Met; replaces isoleucine 697 with methionine.
Molecular consequence: missense variant.
Genome position (GRCh38, 1-based): chr12:7,080,559, G>C on the plus strand (C>G on the coding strand, the complement: C1R is on the minus strand). VCF-style: chr12-7080559-G-C. GRCh37 (hg19) VCF-style: chr12-7187863-G-C.
Other names: c.2133C>G, p.Ile711Met (NM_001354346.2); short protein forms I697M, I711M.
Identifiers: ClinVar variation 1701184 (VCV001701184.31), dbSNP rs780674662, ClinGen allele CA6423913.

ClinVar aggregate classification (germline): Likely benign (1 of 4 stars; one submission).

Allele frequency attached by ClinVar (database versions not stated): gnomAD 0.00001; gnomAD exomes 0.00001 and 0.00003; TOPMed 0.00001; ExAC 0.00004.

Submission:

CeGaT Center for Human Genetics Tuebingen
Classification: Likely benign. Last evaluated: 2024-02-01. Review status: criteria provided, single submitter. Criteria: CeGaT Center For Human Genetics Tuebingen Variant Classification Criteria Version 2. Collection method: clinical testing. Allele origin: germline. Affected: yes. Observed: 4 variant alleles.
Comment: C1R: BP4